The following is an entry in ClinVar:

ClinVar aggregate classification (germline): Uncertain significance (1 of 4 stars; one submission).

Conditions:
Neurofibromatosis, type 1 (NF1). Also called: VON RECKLINGHAUSEN DISEASE; Neurofibromatosis, type I; NEUROFIBROMATOSIS, TYPE I, SOMATIC; Peripheral type neurofibromatosis. Identifiers: Orphanet 636, MedGen C0027831, MONDO:0018975, OMIM 162200. Disease mechanism: loss of function.

Submission:

Labcorp Genetics (formerly Invitae), Labcorp
Classification: Uncertain significance for Neurofibromatosis, type 1. Last evaluated: 2025-11-05. Review status: criteria provided, single submitter. Criteria: Invitae Variant Classification Sherloc (09022015). Collection method: clinical testing. Allele origin: germline.
Comment: This sequence change replaces proline, which is neutral and non-polar, with serine, which is neutral and polar, at codon 238 of the NF1 protein (p.Pro238Ser). This variant is not present in population databases (gnomAD no frequency). This variant has not been reported in the literature in individuals affected with NF1-related conditions. Invitae Evidence Modeling of protein sequence and biophysical properties (such as structural, functional, and spatial information, amino acid conservation, physicochemical variation, residue mobility, and thermodynamic stability) indicates that this missense variant is expected to disrupt NF1 protein function with a positive predictive value of 95%. In summary, the available evidence is currently insufficient to determine the role of this variant in disease. Therefore, it has been classified as a Variant of Uncertain Significance.

NM_001042492.3(NF1):c.712C>T (p.Pro238Ser)

Gene: NF1 (neurofibromin 1; plus strand). Cytogenetic location: 17q11.2.
Variant type: single nucleotide variant.
Coding change: c.712C>T on transcript NM_001042492.3 (MANE Select); coding-DNA position 712, C replaced by T.
Protein change: p.Pro238Ser; replaces proline 238 with serine.
Molecular consequence: missense variant.
Genome position (GRCh38, 1-based): chr17:31,181,767, C>T. VCF-style: chr17-31181767-C-T. GRCh37 (hg19) VCF-style: chr17-29508785-C-T.
Other names: c.712C>T, p.Pro238Ser (NM_000267.4, NM_001128147.3); short protein forms P238S.
Identifiers: ClinVar variation 4800705 (VCV004800705.1).